The following is an entry in ClinVar:

NM_201384.3(PLEC):c.3718G>A (p.Asp1240Asn)

Gene: PLEC (plectin; minus strand). Cytogenetic location: 8q24.3.
Variant type: single nucleotide variant.
Coding change: c.3718G>A on transcript NM_201384.3 (MANE Select); coding-DNA position 3718, G replaced by A.
Protein change: p.Asp1240Asn; replaces aspartic acid 1240 with asparagine.
Molecular consequence: missense variant.
Genome position (GRCh38, 1-based): chr8:143,927,448, C>T on the plus strand (G>A on the coding strand, the complement: PLEC is on the minus strand). VCF-style: chr8-143927448-C-T. GRCh37 (hg19) VCF-style: chr8-145001616-C-T.
Other names: c.3799G>A, p.Asp1267Asn (NM_000445.5); c.3676G>A, p.Asp1226Asn (NM_201378.4); c.3652G>A, p.Asp1218Asn (NM_201379.3); c.4129G>A, p.Asp1377Asn (NM_201380.4); c.3622G>A, p.Asp1208Asn (NM_201381.3); c.3718G>A, p.Asp1240Asn (NM_201382.4); c.3730G>A, p.Asp1244Asn (NM_201383.3); short protein forms D1208N, D1267N, D1218N, D1226N, D1240N, D1377N, D1244N.
Identifiers: ClinVar variation 580954 (VCV000580954.7), dbSNP rs371511422, ClinGen allele CA4926975.
Genomic context (GRCh38, chr8:143,927,448, plus strand): 5'-GTCCCCACCGACCCAAGCCCACCTGCTCCTGCCGCAGCTGCTCCCGCACAGCCTGGCTGT[C>T]GGCCAGCGGCATGGCCTGGATCTGCTCCTGCCGCCGCCTGGCGTCCTGCAGCCAGGCGCC-3'
Protein context (NP_958786.1, residues 1230-1250): QEQIQAMPLA[Asp1240Asn]SQAVREQLRQ

ClinVar aggregate classification (germline): Uncertain significance. Review status: criteria provided, multiple submitters, no conflicts (2 of 4 stars). 2 submissions from 2 submitters: Uncertain significance (2). Last evaluated 2026-08-31.

Conditions:
PLEC-related disorder. Also called: PLEC-related disorders; PLEC-related condition.
Epidermolysis bullosa simplex 5C, with pyloric atresia (EBS5C). Also called: PLEC-Related Epidermolysis Bullosa with Pyloric Atresia; PLEC1-Related Epidermolysis Bullosa with Pyloric Atresia; Epidermolysis bullosa simplex with pyloric atresia. Identifiers: Orphanet 158684, MedGen C2677349, MONDO:0012807, OMIM 612138.
Epidermolysis bullosa simplex, Ogna type (EBS5A). Also called: Pidermolysis bullosa simplex 5A, Ogna type; EPIDERMOLYSIS BULLOSA SIMPLEX 5A, OGNA TYPE. Identifiers: Orphanet 79401, MedGen C0432317, MONDO:0007555, OMIM 131950.
Epidermolysis bullosa simplex 5B, with muscular dystrophy (EBS5B). Also called: Epidermolysis bullosa simplex with muscular dystrophy; EPIDERMOLYSIS BULLOSA SIMPLEX AND LIMB-GIRDLE MUSCULAR DYSTROPHY. Identifiers: Orphanet 257, MedGen C2931072, MONDO:0009181, OMIM 226670.
Epidermolysis bullosa simplex with nail dystrophy (EBS5D). Identifiers: MedGen C4225309, MONDO:0014661, OMIM 616487.
Autosomal recessive limb-girdle muscular dystrophy type 2Q (LGMDR17). Also called: MUSCULAR DYSTROPHY, LIMB-GIRDLE, AUTOSOMAL RECESSIVE 17. Identifiers: Orphanet 254361, MedGen C3150989, MONDO:0013390, OMIM 613723.

Allele frequency attached by ClinVar (database versions not stated): gnomAD exomes below 0.00001; gnomAD 0.00001 and 0.00002; TOPMed 0.00001; ExAC 0.00002.
gnomAD v4.1: 21 of 1,598,826 alleles (0.0013%); highest among the groups gnomAD compares: South Asian, 0.014%; no homozygotes.

Submissions (2):

PreventionGenetics, part of Exact Sciences
Classification: Uncertain significance for PLEC-related condition. Last evaluated: 2026-08-31. Review status: criteria provided, single submitter. Criteria: ACMG Guidelines, 2015. Collection method: clinical testing. Allele origin: germline.
Comment: The PLEC c.3799G>A variant is predicted to result in the amino acid substitution p.Asp1267Asn. To our knowledge, this variant has not been reported in the literature. This variant is reported in 0.0033% of alleles in individuals of South Asian descent in gnomAD. At this time, the clinical significance of this variant is uncertain due to the absence of conclusive functional and genetic evidence.

Labcorp Genetics (formerly Invitae), Labcorp
Classification: Uncertain significance for Autosomal recessive limb-girdle muscular dystrophy type 2Q; Epidermolysis bullosa simplex, Ogna type; Epidermolysis bullosa simplex with nail dystrophy; Epidermolysis bullosa simplex 5C, with pyloric atresia; Epidermolysis bullosa simplex 5B, with muscular dystrophy. Last evaluated: 2026-01-25. Review status: criteria provided, single submitter. Criteria: Invitae Variant Classification Sherloc (09022015). Collection method: clinical testing. Allele origin: germline.
Comment: This sequence change replaces aspartic acid, which is acidic and polar, with asparagine, which is neutral and polar, at codon 1267 of the PLEC protein (p.Asp1267Asn). The frequency data for this variant in the population databases is considered unreliable, as metrics indicate poor data quality at this position in the gnomAD database. This variant has not been reported in the literature in individuals affected with PLEC-related conditions. ClinVar contains an entry for this variant (Variation ID: 580954). Invitae Evidence Modeling of protein sequence and biophysical properties (such as structural, functional, and spatial information, amino acid conservation, physicochemical variation, residue mobility, and thermodynamic stability) indicates that this missense variant is not expected to disrupt PLEC protein function with a negative predictive value of 80%. In summary, the available evidence is currently insufficient to determine the role of this variant in disease. Therefore, it has been classified as a Variant of Uncertain Significance.